The following is an entry in ClinVar:

ClinVar aggregate classification (germline): Uncertain significance (1 of 4 stars; one submission).

Conditions:
Joubert syndrome. Also called: CEREBELLOPARENCHYMAL DISORDER IV; JOUBERT-BOLTSHAUSER SYNDROME; Familial aplasia of the vermis. Identifiers: Orphanet 475, MedGen C5979921, MONDO:0018772.

Submission:

Labcorp Genetics (formerly Invitae), Labcorp
Classification: Uncertain significance for Joubert syndrome. Last evaluated: 2022-07-19. Review status: criteria provided, single submitter. Criteria: Invitae Variant Classification Sherloc (09022015). Collection method: clinical testing. Allele origin: germline.
Comment: In summary, the available evidence is currently insufficient to determine the role of this variant in disease. Therefore, it has been classified as a Variant of Uncertain Significance. Algorithms developed to predict the effect of sequence changes on RNA splicing suggest that this variant may disrupt the consensus splice site. Advanced modeling of protein sequence and biophysical properties (such as structural, functional, and spatial information, amino acid conservation, physicochemical variation, residue mobility, and thermodynamic stability) performed at Invitae indicates that this missense variant is not expected to disrupt AHI1 protein function. This variant has not been reported in the literature in individuals affected with AHI1-related conditions. This variant is not present in population databases (gnomAD no frequency). This sequence change replaces arginine, which is basic and polar, with proline, which is neutral and non-polar, at codon 435 of the AHI1 protein (p.Arg435Pro).

NM_001134831.2(AHI1):c.1304G>C (p.Arg435Pro)

Gene: AHI1 (Abelson helper integration site 1; minus strand). Cytogenetic location: 6q23.3.
Variant type: single nucleotide variant.
Coding change: c.1304G>C on transcript NM_001134831.2 (MANE Select); coding-DNA position 1304, G replaced by C.
Protein change: p.Arg435Pro; replaces arginine 435 with proline.
Molecular consequence: missense variant.
Genome position (GRCh38, 1-based): chr6:135,455,774, C>G on the plus strand (G>C on the coding strand, the complement: AHI1 is on the minus strand). VCF-style: chr6-135455774-C-G. GRCh37 (hg19) VCF-style: chr6-135776912-C-G.
Other names: c.1304G>C, p.Arg435Pro (NM_001134830.2, NM_001134832.2, NM_001350503.2 and 2 more transcripts); short protein forms R435P.
Identifiers: ClinVar variation 2023775 (VCV002023775.4), dbSNP rs545841352, ClinGen allele CA365746437.